The following is an entry in ClinVar:

NM_004183.4(BEST1):c.968A>T (p.Asp323Val)

Gene: BEST1 (bestrophin 1; plus strand). Cytogenetic location: 11q12.3.
Variant type: single nucleotide variant.
Coding change: c.968A>T on transcript NM_004183.4 (MANE Select); coding-DNA position 968, A replaced by T.
Protein change: p.Asp323Val; replaces aspartic acid 323 with valine.
Molecular consequence: missense variant. On other transcripts: non-coding transcript variant (1).
Genome position (GRCh38, 1-based): chr11:61,959,911, A>T. VCF-style: chr11-61959911-A-T. GRCh37 (hg19) VCF-style: chr11-61727383-A-T.
Other names: c.788A>T, p.Asp263Val (NM_001139443.3, NM_001300787.2); c.707A>T, p.Asp236Val (NM_001300786.2); c.650A>T, p.Asp217Val (NM_001363591.3); c.1171A>T, p.Met391Leu (NM_001363592.2); c.-5A>T (NM_001363593.3); short protein forms D217V, D236V, D263V, D323V, M391L.
Identifiers: ClinVar variation 1065726 (VCV001065726.2), dbSNP rs752756768, ClinGen allele CA6040958.

ClinVar aggregate classification (germline): Uncertain significance. Review status: criteria provided, single submitter (1 of 4 stars). 2 submissions from 2 submitters: Uncertain significance (1). 1 of the submissions does not count toward it. Last evaluated 2021-04-08.

Conditions:
Retinal dystrophy. Also called: Inherited retinal dystrophy. Identifiers: Orphanet 71862, MedGen C0854723, MeSH D058499, MONDO:0019118, HP:0000556.
Vitelliform macular dystrophy 2. Also called: MACULAR DEGENERATION, POLYMORPHIC VITELLINE; Best Vitelliform Macular Dystrophy (BVMD); VITELLIFORM MACULAR DYSTROPHY, EARLY-ONSET; VITELLIFORM MACULAR DYSTROPHY, JUVENILE-ONSET; Best vitelliform macular dystrophy, multifocal; Best Macular Dystrophy. Identifiers: Orphanet 1243, MedGen C2745945, MONDO:0007931, OMIM 153700.

Allele frequency attached by ClinVar (database versions not stated): gnomAD exomes below 0.00001; ExAC 0.00001.
gnomAD v4.1: 1 of 1,613,744 alleles (0.000062%); highest among the groups gnomAD compares: Non-Finnish European, 0.000085%; no homozygotes.

Submissions (2):

Ocular Genomics Institute, Massachusetts Eye and Ear
Classification: Uncertain significance for Vitelliform macular dystrophy 2. Last evaluated: 2021-04-08. Review status: criteria provided, single submitter. Criteria: ACMG Guidelines, 2015. Collection method: research. Allele origin: germline. Affected: yes.
Comment: Through a review of available evidence we were able to apply the following criteria: PM2, PP3. Based on this evidence we have classified this variant as Variant of Uncertain Significance.

Institute of Human Genetics, Univ. Regensburg, Univ. Regensburg
Classification: Likely pathogenic for Retinal dystrophy. Last evaluated: 2013-01-01. Review status: no assertion criteria provided. Criteria: ACMG Guidelines, 2015. Collection method: clinical testing. Allele origin: germline. Affected: yes. Not counted in ClinVar's aggregate classification.